The following is an entry in ClinVar:

ClinVar aggregate classification (germline): Uncertain significance (1 of 4 stars; one submission).

Submission:

Labcorp Genetics (formerly Invitae), Labcorp
Classification: Uncertain significance. Last evaluated: 2025-10-30. Review status: criteria provided, single submitter. Criteria: Invitae Variant Classification Sherloc (09022015). Collection method: clinical testing. Allele origin: germline.
Comment: This sequence change replaces isoleucine, which is neutral and non-polar, with phenylalanine, which is neutral and non-polar, at codon 290 of the TFRC protein (p.Ile290Phe). This variant is not present in population databases (gnomAD no frequency). This variant has not been reported in the literature in individuals affected with TFRC-related conditions. Invitae Evidence Modeling of protein sequence and biophysical properties (such as structural, functional, and spatial information, amino acid conservation, physicochemical variation, residue mobility, and thermodynamic stability) indicates that this missense variant is not expected to disrupt TFRC protein function with a negative predictive value of 80%. In summary, the available evidence is currently insufficient to determine the role of this variant in disease. Therefore, it has been classified as a Variant of Uncertain Significance.

NM_001128148.3(TFRC):c.868A>T (p.Ile290Phe)

Gene: TFRC (transferrin receptor; minus strand). Cytogenetic location: 3q29.
Variant type: single nucleotide variant.
Coding change: c.868A>T on transcript NM_001128148.3 (MANE Select); coding-DNA position 868, A replaced by T.
Protein change: p.Ile290Phe; replaces isoleucine 290 with phenylalanine.
Molecular consequence: missense variant.
Genome position (GRCh38, 1-based): chr3:196,068,064, T>A on the plus strand (A>T on the coding strand, the complement: TFRC is on the minus strand). VCF-style: chr3-196068064-T-A. GRCh37 (hg19) VCF-style: chr3-195794935-T-A.
Other names: c.625A>T, p.Ile209Phe (NM_001313965.2); c.22A>T, p.Ile8Phe (NM_001313966.2); c.868A>T, p.Ile290Phe (NM_003234.4); short protein forms I209F, I290F, I8F.
Identifiers: ClinVar variation 4744348 (VCV004744348.1).